The following is an entry in ClinVar:

NM_001453.3(FOXC1):c.1278C>T (p.Asp426=)

Gene: FOXC1 (forkhead box C1; plus strand). Cytogenetic location: 6p25.3.
Variant type: single nucleotide variant.
Coding change: c.1278C>T on transcript NM_001453.3 (MANE Select); coding-DNA position 1278, C replaced by T.
Protein change: p.Asp426=; no amino-acid change (aspartic acid 426 retained).
Molecular consequence: synonymous variant.
Genome position (GRCh38, 1-based): chr6:1,611,723, C>T. VCF-style: chr6-1611723-C-T. GRCh37 (hg19) VCF-style: chr6-1611958-C-T.
Other names: c.1278C>T (NM_001453.2).
Identifiers: ClinVar variation 1639678 (VCV001639678.9), dbSNP rs1011576688, ClinGen allele CA133391249.
Genomic context (GRCh38, chr6:1,611,723, plus strand): 5'-CGAGCGCGGGGGCCACTTGCAGGGCGCGCCCGGGGGCGCGGGCGGCTCGGCCGTGGACGA[C>T]CCCCTGCCCGACTACTCTCTGCCTCCGGTCACCAGCAGCAGCTCGTCGTCCCTGAGTCAC-3'
Protein context (NP_001444.2, residues 416-436): PGGAGGSAVD[Asp426=]PLPDYSLPPV

ClinVar aggregate classification (germline): Likely benign. Review status: criteria provided, multiple submitters, no conflicts (2 of 4 stars). 2 submissions from 2 submitters: Likely benign (2). Last evaluated 2026-01-05.

Conditions:
FOXC1-related disorder. Also called: FOXC1-related condition.
Axenfeld-Rieger syndrome type 3 (RIEG3). Also called: AXENFELD-RIEGER ANOMALY WITH CARDIAC DEFECTS AND/OR SENSORINEURAL HEARING LOSS. Identifiers: Orphanet 782, MedGen C2678503, MONDO:0011233, OMIM 602482.

Allele frequency attached by ClinVar (database versions not stated): gnomAD 0.00001 and 0.00003; TOPMed 0.00001.
gnomAD v4.1: 9 of 1,464,832 alleles (0.00061%); highest among the groups gnomAD compares: Admixed American, 0.0049%; no homozygotes.

Submissions (2):

Labcorp Genetics (formerly Invitae), Labcorp
Classification: Likely benign for Axenfeld-Rieger syndrome type 3. Last evaluated: 2026-01-05. Review status: criteria provided, single submitter. Criteria: Invitae Variant Classification Sherloc (09022015). Collection method: clinical testing. Allele origin: germline.

PreventionGenetics, part of Exact Sciences
Classification: Likely benign for FOXC1-related condition. Last evaluated: 2025-07-30. Review status: criteria provided, single submitter. Criteria: ACMG Guidelines, 2015. Collection method: clinical testing. Allele origin: germline.
Comment: This variant is classified as likely benign based on ACMG/AMP sequence variant interpretation guidelines (Richards et al. 2015 PMID: 25741868, with internal and published modifications).